The following is an entry in ClinVar:

NM_006445.4(PRPF8):c.6981dup (p.Ala2328fs)

Gene: PRPF8 (pre-mRNA processing factor 8; minus strand). Cytogenetic location: 17p13.3.
Variant type: Duplication.
Coding change: c.6981dup on transcript NM_006445.4 (MANE Select); coding-DNA position 6981, one base duplicated (T; older notation c.6981dupT).
Protein change: p.Ala2328fs; shifts the reading frame from alanine 2328.
Molecular consequence: frameshift variant.
Genome position (GRCh38, 1-based): chr17:1,650,829, A duplicated on the plus strand (T on the coding strand, the reverse complement: PRPF8 is on the minus strand). VCF-style (leftmost placement, unchanged base first): chr17-1650828-C-CA. GRCh37 (hg19) VCF-style: chr17-1554122-C-CA.
Other names: short protein forms A2328fs.
Identifiers: ClinVar variation 3775792 (VCV003775792.1).

ClinVar aggregate classification (germline): Likely pathogenic (1 of 4 stars; one submission).

Conditions:
Retinitis pigmentosa 13 (RP13). Also called: PRPF 8-Related Retinitis Pigmentosa. Identifiers: Orphanet 791, MedGen C1838702, MONDO:0010806, OMIM 600059.

Submission:

3billion
Classification: Likely pathogenic for Retinitis pigmentosa 13. Last evaluated: 2024-02-16. Review status: criteria provided, single submitter. Criteria: ACMG Guidelines, 2015. Collection method: clinical testing. Allele origin: germline. Affected: yes.
Comment: The variant is not observed in the gnomAD v2.1.1 dataset. Predicted Consequence/Location: Frameshift: predicted to result in a loss or disruption of normal protein function through protein truncation. Multiple pathogenic variants are reported in the predicted truncated region. The variant has been reported to be associated with PRPF8 related disorder (PMID: 33691693). Therefore, this variant is classified as Likely pathogenic according to the recommendation of ACMG/AMP guideline.

Literature cited by the submitters: PubMed 33691693.